The following is an entry in ClinVar:

ClinVar aggregate classification (germline): Uncertain significance. Review status: criteria provided, multiple submitters, no conflicts (2 of 4 stars). 3 submissions from 3 submitters: Uncertain significance (3). Last evaluated 2025-11-18.

Conditions:
Short-rib thoracic dysplasia 10 with or without polydactyly (SRTD10). Identifiers: Orphanet 474, MedGen C3810175, MONDO:0014284, OMIM 615630.
Retinitis pigmentosa 71 (RP71). Identifiers: Orphanet 791, MedGen C4225342, MONDO:0014618, OMIM 616394.
IFT172-related disorder. Also called: IFT172-related disorders; IFT172-related condition.
Inborn genetic diseases. Identifiers: MedGen C0950123, MeSH D030342.

Allele frequency attached by ClinVar (database versions not stated): gnomAD exomes below 0.00001 and 0.00001.

Submissions (3):

PreventionGenetics, part of Exact Sciences
Classification: Uncertain significance for IFT172-related condition. Last evaluated: 2025-11-18. Review status: criteria provided, single submitter. Criteria: ACMG Guidelines, 2015. Collection method: clinical testing. Allele origin: germline.
Comment: The IFT172 c.4876_4878dupCCC variant is predicted to result in an in-frame duplication (p.Pro1626dup). This variant was reported in the heterozygous state in an individual with retinal dystrophy (Villafuerte-de la Cruz et al. 2024. PubMed ID: 38347443). This variant is reported in 0.0029% of alleles in individuals of Latino descent in gnomAD. At this time, the clinical significance of this variant is uncertain due to the absence of conclusive functional and genetic evidence.

Labcorp Genetics (formerly Invitae), Labcorp
Classification: Uncertain significance for Retinitis pigmentosa 71; Short-rib thoracic dysplasia 10 with or without polydactyly. Last evaluated: 2022-05-13. Review status: criteria provided, single submitter. Criteria: Invitae Variant Classification Sherloc (09022015). Collection method: clinical testing. Allele origin: germline.
Comment: Experimental studies and prediction algorithms are not available or were not evaluated, and the functional significance of this variant is currently unknown. This variant has been observed in individual(s) with retinitis pigmentosa (Invitae). In at least one individual the data is consistent with being in trans (on the opposite chromosome) from a pathogenic variant. This variant is present in population databases (no rsID available, gnomAD 0.003%). This variant, c.4876_4878dup, results in the insertion of 1 amino acid(s) of the IFT172 protein (p.Pro1626dup), but otherwise preserves the integrity of the reading frame. In summary, the available evidence is currently insufficient to determine the role of this variant in disease. Therefore, it has been classified as a Variant of Uncertain Significance.

Ambry Genetics
Classification: Uncertain significance for Inborn genetic diseases. Last evaluated: 2021-01-08. Review status: criteria provided, single submitter. Criteria: Ambry Variant Classification Scheme 2023. Collection method: clinical testing. Allele origin: germline.
Comment: The c.4876_4878dupCCC (p.P1626dup) alteration is located in exon 45 (coding exon 45) of the IFT172 gene. The alteration consists of an in-frame duplication of 3 nucleotides from position 4876 to 4878, resulting in the duplication of 1 residue. Based on insufficient or conflicting evidence, the clinical significance of this alteration remains unclear.

NM_015662.3(IFT172):c.4876_4878dup (p.Pro1626_Phe1627insPro)

Genes: IFT172 (intraflagellar transport 172; minus strand), KRTCAP3 (keratinocyte associated protein 3; plus strand). Cytogenetic location: 2p23.3.
Variant type: Duplication.
Coding change: c.4876_4878dup on transcript NM_015662.3 (MANE Select); coding-DNA positions 4876 to 4878, 3 bases duplicated (CCC; older notation c.4876_4878dupCCC).
Protein change: p.Pro1626_Phe1627insPro.
Molecular consequence: inframe insertion. On other transcripts: intron variant (1).
Genome position (GRCh38, 1-based): chr2:27,445,781-27,445,783, GGG duplicated on the plus strand (CCC on the coding strand, the reverse complement: IFT172 is on the minus strand). VCF-style (leftmost placement, unchanged base first): chr2-27445780-A-AGGG. GRCh37 (hg19) VCF-style: chr2-27668647-A-AGGG.
Other names: c.4810_4812dup, p.Pro1604_Phe1605insPro (NM_001410739.1); c.*6-520_*6-518dup (NM_001168364.2).
Identifiers: ClinVar variation 1412948 (VCV001412948.10), dbSNP rs1437853998, ClinGen allele CA531765479.
Genomic context (GRCh38, chr2:27,445,780, plus strand): 5'-CGGTTTTCCAACCCTGTGCCCTTACCGGTACATGCTGCTTAGCTGGGAGTGGCACCTCAA[A>AGGG]GGGAATGTCTGTATCCTGAAAATCAGAGTGGTCAAGGCCATCTAGAGTCCCTTCCTCGAT-3'